The following is an entry in ClinVar:

ClinVar aggregate classification (germline): Uncertain significance. Review status: criteria provided, multiple submitters, no conflicts (2 of 4 stars). 2 submissions from 2 submitters: Uncertain significance (2). Last evaluated 2025-08-21.

Conditions:
Inborn genetic diseases. Identifiers: MedGen C0950123, MeSH D030342.

Allele frequency attached by ClinVar (database versions not stated): ExAC 0.00002; TOPMed 0.00002; gnomAD 0.00003.
gnomAD v4.1: 18 of 1,613,984 alleles (0.0011%); highest among the groups gnomAD compares: Non-Finnish European, 0.0015%; no homozygotes.

Submissions (2):

Ambry Genetics
Classification: Uncertain significance for Inborn genetic diseases. Last evaluated: 2025-08-21. Review status: criteria provided, single submitter. Criteria: Ambry Variant Classification Scheme 2023. Collection method: clinical testing. Allele origin: germline.

Labcorp Genetics (formerly Invitae), Labcorp
Classification: Uncertain significance. Last evaluated: 2022-07-23. Review status: criteria provided, single submitter. Criteria: Invitae Variant Classification Sherloc (09022015). Collection method: clinical testing. Allele origin: germline.
Comment: This sequence change replaces leucine, which is neutral and non-polar, with phenylalanine, which is neutral and non-polar, at codon 1057 of the MCM3AP protein (p.Leu1057Phe). This variant is present in population databases (rs771684934, gnomAD 0.004%). This variant has not been reported in the literature in individuals affected with MCM3AP-related conditions. Algorithms developed to predict the effect of missense changes on protein structure and function are either unavailable or do not agree on the potential impact of this missense change (SIFT: "Deleterious"; PolyPhen-2: "Benign"; Align-GVGD: "Class C0"). In summary, the available evidence is currently insufficient to determine the role of this variant in disease. Therefore, it has been classified as a Variant of Uncertain Significance.

NM_003906.5(MCM3AP):c.3169C>T (p.Leu1057Phe)

Gene: MCM3AP (minichromosome maintenance complex component 3 associated protein; minus strand). Cytogenetic location: 21q22.3.
Variant type: single nucleotide variant.
Coding change: c.3169C>T on transcript NM_003906.5 (MANE Select); coding-DNA position 3169, C replaced by T.
Protein change: p.Leu1057Phe; replaces leucine 1057 with phenylalanine.
Molecular consequence: missense variant.
Genome position (GRCh38, 1-based): chr21:46,265,386, G>A on the plus strand (C>T on the coding strand, the complement: MCM3AP is on the minus strand). VCF-style: chr21-46265386-G-A. GRCh37 (hg19) VCF-style: chr21-47685300-G-A.
Other names: c.3169C>T (NM_003906.3); short protein forms L1057F.
Identifiers: ClinVar variation 1985025 (VCV001985025.2), dbSNP rs771684934, ClinGen allele CA10076604.